The following is an entry in ClinVar:

ClinVar aggregate classification (germline): Pathogenic (1 of 4 stars; one submission).

Conditions:
X-linked severe congenital neutropenia (SCNX). Identifiers: Orphanet 86788, MedGen C1845987, MONDO:0010294, OMIM 300299.
Wiskott-Aldrich syndrome (WAS). Also called: ALDRICH SYNDROME; IMMUNODEFICIENCY 2; Wiskott-aldrich syndrome, somatic; WISKOTT-ALDRICH SYNDROME 1. Identifiers: Orphanet 906, MedGen C0043194, MONDO:0010518, OMIM 301000.
Thrombocytopenia 1. Also called: THROMBOCYTOPENIA, X-LINKED, 1; X-linked thrombocytopenia with normal platelets; X-Linked Thrombocytopenia (XLT). Identifiers: Orphanet 268322, Orphanet 852, MedGen C1839163, MONDO:0010743, OMIM 313900.

Submission:

Juno Genomics, Hangzhou Juno Genomics, Inc
Classification: Pathogenic for X-linked severe congenital neutropenia; Thrombocytopenia 1; Wiskott-Aldrich syndrome. Review status: criteria provided, single submitter. Criteria: ACMG Guidelines, 2015. Collection method: clinical testing. Allele origin: germline.
Comment: Absent from controls (or at extremely low frequency if recessive) in Genome Aggregation Database.;Null variant in a gene where loss of function (LOF) is a known mechanism of disease.;The prevalence of the variant in affected individuals is significantly increased compared to the prevalence in controls.;Patient's phenotype or family history is highly specific for a disease with a single genetic etiology.

NM_000377.3(WAS):c.1338+1G>A

Gene: WAS (WASP actin nucleation promoting factor; plus strand). Cytogenetic location: Xp11.23.
Variant type: single nucleotide variant.
Coding change: c.1338+1G>A on transcript NM_000377.3 (MANE Select); the canonical splice donor site of the intron after coding-DNA position 1338, G replaced by A.
Molecular consequence: splice donor variant.
Genome position (GRCh38, 1-based): chrX:48,689,067, G>A. VCF-style: chrX-48689067-G-A. GRCh37 (hg19) VCF-style: chrX-48547456-G-A.
Other names: c.1338+1G>A (NM_001438879.1, NM_001438877.1); c.1182+1G>A (NM_001438878.1, NM_001438876.1).
Identifiers: ClinVar variation 5007566 (VCV005007566.2).
Genomic context (GRCh38, chrX:48,689,067, plus strand): 5'-CCTGGTGGGGGTCGGGGAGCGCTTTTGGATCAAATCCGGCAGGGAATTCAGCTGAACAAG[G>A]TGAGGACAGGCAGGATGGAGGATTGGGGGTCTAGGACTCTGGGGTGTCCCGTCTAAGTCA-3'